The following is an entry in ClinVar:

ClinVar aggregate classification (germline): Pathogenic/Likely pathogenic. Review status: criteria provided, multiple submitters, no conflicts (2 of 4 stars). 9 submissions from 9 submitters: Pathogenic (6); Likely pathogenic (2). 1 of the submissions does not count toward it. Last evaluated 2026-04-01.

Conditions:
SLC52A2-related disorder. Also called: SLC52A2-related condition.
Inborn genetic diseases. Identifiers: MedGen C0950123, MeSH D030342.
Brown-Vialetto-van Laere syndrome 2. Also called: SPINOCEREBELLAR ATAXIA WITH BLINDNESS AND DEAFNESS 2; Riboflavin transporter deficiency type 2. Identifiers: Orphanet 572543, Orphanet 97229, MedGen C3553538, MONDO:0013867, OMIM 614707.

Allele frequency attached by ClinVar (database versions not stated): gnomAD exomes 0.00002 and 0.00009; ExAC 0.00003; gnomAD 0.00004 and 0.00005; TOPMed 0.00004.
gnomAD v4.1: 138 of 1,606,368 alleles (0.0086%); highest among the groups gnomAD compares: Non-Finnish European, 0.011%; no homozygotes.

Submissions (9):

CeGaT Center for Human Genetics Tuebingen
Classification: Likely pathogenic. Last evaluated: 2026-04-01. Review status: criteria provided, single submitter. Criteria: CeGaT Center For Human Genetics Tuebingen Variant Classification Criteria Version 2. Collection method: clinical testing. Allele origin: germline. Affected: yes. Observed: 1 variant allele.
Comment: SLC52A2: PM3:Strong, PM2, PP3, PS3:Supporting

PreventionGenetics, part of Exact Sciences
Classification: Pathogenic for SLC52A2-related condition. Last evaluated: 2026-02-25. Review status: criteria provided, single submitter. Criteria: ACMG Guidelines, 2015. Collection method: clinical testing. Allele origin: germline.
Comment: The SLC52A2 c.935T>C variant is predicted to result in the amino acid substitution p.Leu312Pro. This variant has been reported in the compound heterozygous and homozygous states in individuals with Brown-Vialetto-Van Laere syndrome (Foley et al. 2014. PubMed ID: 24253200; Manole et al. 2017. PubMed ID: 29053833). Functional studies showed that this variant altered protein function (Foley et al. 2014. PubMed ID: 24253200; Console et al. 2021. PubMed ID: 34428344). This variant is reported in 0.0047% of alleles in individuals of European (Non-Finnish) descent in gnomAD. This variant is interpreted as pathogenic.

Labcorp Genetics (formerly Invitae), Labcorp
Classification: Pathogenic for Brown-Vialetto-van Laere syndrome 2. Last evaluated: 2025-06-23. Review status: criteria provided, single submitter. Criteria: Invitae Variant Classification Sherloc (09022015). Collection method: clinical testing. Allele origin: germline.
Comment: This sequence change replaces leucine, which is neutral and non-polar, with proline, which is neutral and non-polar, at codon 312 of the SLC52A2 protein (p.Leu312Pro). This variant is present in population databases (rs754320812, gnomAD 0.005%). This missense change has been observed in individuals with Brown-Vialetto-Van Laere syndrome (PMID: 24253200, 29053833). ClinVar contains an entry for this variant (Variation ID: 210041). Invitae Evidence Modeling of protein sequence and biophysical properties (such as structural, functional, and spatial information, amino acid conservation, physicochemical variation, residue mobility, and thermodynamic stability) indicates that this missense variant is expected to disrupt SLC52A2 protein function with a positive predictive value of 95%. Experimental studies have shown that this missense change affects SLC52A2 function (PMID: 24253200). For these reasons, this variant has been classified as Pathogenic.

GeneDx
Classification: Pathogenic. Last evaluated: 2025-05-02. Review status: criteria provided, single submitter. Criteria: GeneDx Variant Classification Process June 2021. Collection method: clinical testing. Allele origin: germline. Affected: yes.
Comment: Published functional studies demonstrate a damaging effect: reduced riboflavin uptake and reduced riboflavin transporter protein expression (PMID: 24253200); Not observed at significant frequency in large population cohorts (gnomAD); In silico analysis supports that this missense variant has a deleterious effect on protein structure/function; This variant is associated with the following publications: (PMID: 26633542, 34428344, 24253200, 29053833, 26072523, 32855765, 38278809, 39113759, 33468503, 40134705, 33036493, 28116953)

Blueprint Genetics
Classification: Pathogenic for SLC52A2-related disorders. Last evaluated: 2024-04-09. Review status: criteria provided, single submitter. Criteria: ACMG Guidelines, 2015. Collection method: clinical testing. Allele origin: germline. Affected: yes. Observed: 5 variant alleles.

Ambry Genetics
Classification: Pathogenic for Inborn genetic diseases. Last evaluated: 2023-08-16. Review status: criteria provided, single submitter. Criteria: Ambry Variant Classification Scheme 2023. Collection method: clinical testing. Allele origin: germline.
Comment: The c.935T>C (p.L312P) alteration is located in exon 3 (coding exon 2) of the SLC52A2 gene. This alteration results from a T to C substitution at nucleotide position 935, causing the leucine (L) at amino acid position 312 to be replaced by a proline (P). Based on data from gnomAD, the C allele has an overall frequency of 0.003% (7/276638) total alleles studied. The highest observed frequency was 0.014% (1/7158) of Other alleles. This alteration has been reported in the homozygous state, and in conjunction with another alteration in SLC52A2, in multiple individuals with clinical features of Brown-Vialetto-Van Laere syndrome (Foley, 2014; Manole, 2017; Allison, 2017; Ambry internal data). This amino acid position is highly conserved in available vertebrate species. In vitro functional analysis of the p.L312P alteration showed a moderate decrease in 3H-transport activity compared with wild-type SLC52A2 (Foley, 2014). This alteration is predicted to be deleterious by in silico analysis. Based on the available evidence, this alteration is classified as pathogenic.

Women's Health and Genetics/Laboratory Corporation of America, LabCorp
Classification: Likely pathogenic for Brown-Vialetto-van Laere syndrome 2. Last evaluated: 2022-11-22. Review status: criteria provided, single submitter. Criteria: LabCorp Variant Classification Summary - May 2015. Collection method: clinical testing. Allele origin: germline.
Comment: Variant summary: GPR172A (SLC52A2) c.935T>C (p.Leu312Pro) results in a non-conservative amino acid change in the encoded protein sequence. Five of five in-silico tools predict a damaging effect of the variant on protein function. The variant allele was found at a frequency of 2.5e-05 in 276638 control chromosomes (gnomAD). c.935T>C has been reported in the literature as a biallelic genotype in individuals affected with Brown-Vialetto Laere Syndrome (e.g. Foley_2014, Manole_2017, Marioli_2020). These data indicate that the variant is likely to be associated with disease. At least two publications report experimental evidence evaluating an impact on protein function (e.g. Foley_2014, Console_2022). The most pronounced variant effect results in approximately 40-50% of normal 3H-Riboflavin transport activity and displays a reduced binding affinity compared to the wildtype protein. Five submitters have provided clinical-significance assessments for this variant to ClinVar after 2014. All laboratories classified the variant as either pathogenic (n=2) or likely pathogenic (n=3). Based on the evidence outlined above, the variant was classified as likely pathogenic.

Center for Pediatric Genomic Medicine, Children's Mercy Hospital and Clinics
Classification: Pathogenic. Last evaluated: 2016-05-19. Review status: criteria provided, single submitter. Criteria: ACMG Guidelines, 2015. Collection method: clinical testing. Allele origin: germline.

GeneReviews
No classification provided. Condition: Brown-Vialetto-van Laere syndrome 2. Review status: no classification provided. Collection method: literature only. Allele origin: germline. Affected: yes. Not counted in ClinVar's aggregate classification.

Literature cited by the submitters: PubMed 24253200 (cited by 4 submitters); PubMed 29053833 (cited by 3 submitters); PubMed 28116953 (cited by Ambry Genetics); PubMed 34428344 (cited by Women's Health and Genetics/Laboratory Corporation of America, LabCorp); PubMed 33036493 (cited by Women's Health and Genetics/Laboratory Corporation of America, LabCorp); NCBI Bookshelf NBK299312 (cited by GeneReviews).

NM_001363118.2(SLC52A2):c.935T>C (p.Leu312Pro)

Gene: SLC52A2 (solute carrier family 52 member 2; plus strand). Cytogenetic location: 8q24.3.
Variant type: single nucleotide variant.
Coding change: c.935T>C on transcript NM_001363118.2 (MANE Select); coding-DNA position 935, T replaced by C.
Protein change: p.Leu312Pro; replaces leucine 312 with proline.
Molecular consequence: missense variant. On other transcripts: non-coding transcript variant (1).
Genome position (GRCh38, 1-based): chr8:144,360,427, T>C. VCF-style: chr8-144360427-T-C. GRCh37 (hg19) VCF-style: chr8-145584087-T-C.
Other names: c.935T>C, p.Leu312Pro (NM_001253815.2, NM_001253816.2, NM_001363120.2 and 2 more transcripts); c.443T>C, p.Leu148Pro (NM_001363122.2); c.935T>C (NM_001253816.1); short protein forms L312P, L148P.
Identifiers: ClinVar variation 210041 (VCV000210041.21), dbSNP rs754320812, ClinGen allele CA347019.